The following is an entry in ClinVar:

NM_001042492.3(NF1):c.279T>G (p.Cys93Trp)

Gene: NF1 (neurofibromin 1; plus strand). Cytogenetic location: 17q11.2.
Variant type: single nucleotide variant.
Coding change: c.279T>G on transcript NM_001042492.3 (MANE Select); coding-DNA position 279, T replaced by G.
Protein change: p.Cys93Trp; replaces cysteine 93 with tryptophan.
Molecular consequence: missense variant.
Genome position (GRCh38, 1-based): chr17:31,159,084, T>G. VCF-style: chr17-31159084-T-G. GRCh37 (hg19) VCF-style: chr17-29486102-T-G.
Other names: c.279T>G, p.Cys93Trp (NM_000267.4, NM_001128147.3); short protein forms C93W.
Identifiers: ClinVar variation 930967 (VCV000930967.11), dbSNP rs1597629882, ClinGen allele CA398989854.

ClinVar aggregate classification (germline): Pathogenic/Likely pathogenic. Review status: criteria provided, multiple submitters, no conflicts (2 of 4 stars). 4 submissions from 4 submitters: Pathogenic (1); Likely pathogenic (3). Last evaluated 2025-07-06.

Conditions:
Cardiovascular phenotype. Identifiers: MedGen CN230736.
Hereditary cancer-predisposing syndrome. Also called: Tumor predisposition; Hereditary neoplastic syndrome; Neoplastic Syndromes, Hereditary; Hereditary Cancer Syndrome. Identifiers: Orphanet 140162, MedGen C0027672, MeSH D009386, MONDO:0015356.
Neurofibromatosis, type 1 (NF1). Also called: VON RECKLINGHAUSEN DISEASE; Peripheral type neurofibromatosis; Neurofibromatosis, type I; NEUROFIBROMATOSIS, TYPE I, SOMATIC. Identifiers: Orphanet 636, MedGen C0027831, MONDO:0018975, OMIM 162200. Disease mechanism: loss of function.

Submissions (4):

Labcorp Genetics (formerly Invitae), Labcorp
Classification: Pathogenic for Neurofibromatosis, type 1. Last evaluated: 2025-07-06. Review status: criteria provided, single submitter. Criteria: Invitae Variant Classification Sherloc (09022015). Collection method: clinical testing. Allele origin: germline.
Comment: This sequence change replaces cysteine, which is neutral and slightly polar, with tryptophan, which is neutral and slightly polar, at codon 93 of the NF1 protein (p.Cys93Trp). This variant is not present in population databases (gnomAD no frequency). This missense change has been observed in individual(s) with neurofibromatosis, type 1 (PMID: 23668869, 23758643). ClinVar contains an entry for this variant (Variation ID: 930967). Invitae Evidence Modeling of protein sequence and biophysical properties (such as structural, functional, and spatial information, amino acid conservation, physicochemical variation, residue mobility, and thermodynamic stability) indicates that this missense variant is expected to disrupt NF1 protein function with a positive predictive value of 95%. This variant disrupts the p.Cys93 amino acid residue in NF1. Other variant(s) that disrupt this residue have been determined to be pathogenic (PMID: 10862084, 17426081). This suggests that this residue is clinically significant, and that variants that disrupt this residue are likely to be disease-causing. For these reasons, this variant has been classified as Pathogenic.

Ambry Genetics
Classification: Likely pathogenic for Cardiovascular phenotype; Hereditary cancer-predisposing syndrome. Last evaluated: 2024-12-19. Review status: criteria provided, single submitter. Criteria: Ambry Variant Classification Scheme 2023. Collection method: clinical testing. Allele origin: germline.
Comment: The p.C93W variant (also known as c.279T>G), located in coding exon 3 of the NF1 gene, results from a T to G substitution at nucleotide position 279. The cysteine at codon 93 is replaced by tryptophan, an amino acid with highly dissimilar properties. This alteration has been detected in two individuals meeting NIH diagnostic criteria for Neurofibromatosis type 1 (NF1)(Nemethova M et al. Ann. Hum. Genet., 2013 Sep;77:364-79; Ko JM et al. Pediatr. Neurol., 2013 Jun;48:447-53). This amino acid position is highly conserved in available vertebrate species. In addition, this alteration is predicted to be deleterious by in silico analysis. Based on the majority of available evidence to date, this variant is likely to be pathogenic.

Genome-Nilou Lab
Classification: Likely pathogenic for Neurofibromatosis, type 1. Last evaluated: 2022-03-15. Review status: criteria provided, single submitter. Criteria: ACMG Guidelines, 2015. Collection method: clinical testing. Allele origin: germline. Affected: no.

Centre for Mendelian Genomics, University Medical Centre Ljubljana
Classification: Likely pathogenic for Neurofibromatosis, type 1. Last evaluated: 2020-03-18. Review status: criteria provided, single submitter. Criteria: ACMG Guidelines, 2015. Collection method: clinical testing. Allele origin: unknown. Affected: yes.
Comment: This variant was classified as: Likely pathogenic. The following ACMG criteria were applied in classifying this variant: PM1,PM2,PM5,PP3.

Literature cited by the submitters: PubMed 23668869 (cited by Labcorp Genetics (formerly Invitae), Labcorp and Ambry Genetics); PubMed 23758643 (cited by Labcorp Genetics (formerly Invitae), Labcorp and Ambry Genetics); PubMed 10862084 (cited by Labcorp Genetics (formerly Invitae), Labcorp); PubMed 17426081 (cited by Labcorp Genetics (formerly Invitae), Labcorp).